The following is an entry in ClinVar:

NM_003482.4(KMT2D):c.11216A>G (p.Gln3739Arg)

Gene: KMT2D (lysine methyltransferase 2D; minus strand). Cytogenetic location: 12q13.12.
Variant type: single nucleotide variant.
Coding change: c.11216A>G on transcript NM_003482.4 (MANE Select); coding-DNA position 11216, A replaced by G.
Protein change: p.Gln3739Arg; replaces glutamine 3739 with arginine.
Molecular consequence: missense variant.
Genome position (GRCh38, 1-based): chr12:49,033,489, T>C on the plus strand (A>G on the coding strand, the complement: KMT2D is on the minus strand). VCF-style: chr12-49033489-T-C. GRCh37 (hg19) VCF-style: chr12-49427272-T-C.
Other names: short protein forms Q3739R.
Identifiers: ClinVar variation 2081568 (VCV002081568.11), dbSNP rs763449813, ClinGen allele CA6546346.

ClinVar aggregate classification (germline): Likely benign. Review status: criteria provided, multiple submitters, no conflicts (2 of 4 stars). 3 submissions from 3 submitters: Likely benign (3). Last evaluated 2026-01-05.

Conditions:
Inborn genetic diseases. Identifiers: MedGen C0950123, MeSH D030342.
Kabuki syndrome. Also called: Kabuki make-up syndrome; NIIKAWA-KUROKI SYNDROME. Identifiers: Orphanet 2322, MedGen C0796004, MONDO:0016512.

Allele frequency attached by ClinVar (database versions not stated): gnomAD exomes 0.00001; TOPMed 0.00001; ExAC 0.00004.
gnomAD v4.1: 8 of 1,612,824 alleles (0.0005%); highest among the groups gnomAD compares: Admixed American, 0.012%; no homozygotes.

Submissions (3):

Labcorp Genetics (formerly Invitae), Labcorp
Classification: Likely benign for Kabuki syndrome. Last evaluated: 2026-01-05. Review status: criteria provided, single submitter. Criteria: Invitae Variant Classification Sherloc (09022015). Collection method: clinical testing. Allele origin: germline.

CeGaT Center for Human Genetics Tuebingen
Classification: Likely benign. Last evaluated: 2025-10-01. Review status: criteria provided, single submitter. Criteria: CeGaT Center For Human Genetics Tuebingen Variant Classification Criteria Version 2. Collection method: clinical testing. Allele origin: germline. Affected: yes. Observed: 1 variant allele.
Comment: KMT2D: BP4

Ambry Genetics
Classification: Likely benign for Inborn genetic diseases. Last evaluated: 2021-06-15. Review status: criteria provided, single submitter. Criteria: Ambry Variant Classification Scheme 2023. Collection method: clinical testing. Allele origin: germline.